The following is an entry in ClinVar:

NM_002474.3(MYH11):c.2667G>C (p.Lys889Asn)

Gene: MYH11 (myosin heavy chain 11; minus strand). Cytogenetic location: 16p13.11.
Variant type: single nucleotide variant.
Coding change: c.2667G>C on transcript NM_002474.3 (MANE Select); coding-DNA position 2667, G replaced by C.
Protein change: p.Lys889Asn; replaces lysine 889 with asparagine.
Molecular consequence: missense variant.
Genome position (GRCh38, 1-based): chr16:15,741,655, C>G on the plus strand (G>C on the coding strand, the complement: MYH11 is on the minus strand). VCF-style: chr16-15741655-C-G. GRCh37 (hg19) VCF-style: chr16-15835512-C-G.
Other names: c.2688G>C, p.Lys896Asn (NM_001040113.2, NM_001040114.2); c.2667G>C, p.Lys889Asn (NM_022844.3); short protein forms K889N, K896N.
Identifiers: ClinVar variation 3074497 (VCV003074497.1), dbSNP rs2506206476, ClinGen allele CA394865843.

ClinVar aggregate classification (germline): Uncertain significance (1 of 4 stars; one submission).

Conditions:
Familial thoracic aortic aneurysm and aortic dissection (TAAD). Also called: Thoracic aortic aneurysms and dissections. Identifiers: Orphanet 91387, MedGen C4707243, MONDO:0019625.

Allele frequency attached by ClinVar (database versions not stated): gnomAD exomes below 0.00001.
gnomAD v4.1: 1 of 1,613,772 alleles (0.000062%); highest among the groups gnomAD compares: South Asian, 0.0011%; no homozygotes.

Submission:

All of Us Research Program, National Institutes of Health
Classification: Uncertain significance for Familial thoracic aortic aneurysm and aortic dissection. Last evaluated: 2023-11-20. Review status: criteria provided, single submitter. Criteria: ACMG Guidelines, 2015. Collection method: clinical testing. Allele origin: germline. Inheritance: Autosomal dominant inheritance. Observed: 1 variant allele, 1 heterozygote.
Comment: This missense variant replaces lysine with asparagine at codon 896 of the MYH11 protein. Computational prediction suggests that this variant may not impact protein structure and function (internally defined REVEL score threshold <= 0.5, PMID: 27666373). To our knowledge, functional studies have not been reported for this variant. This variant has not been reported in individuals affected with MYH11-related disorders in the literature. This variant has not been identified in the general population by the Genome Aggregation Database (gnomAD). The available evidence is insufficient to determine the role of this variant in disease conclusively. Therefore, this variant is classified as a Variant of Uncertain Significance.

This study involves interpretation of variants in research participants for the purpose of population health screening. Participant phenotype was not available at the time of variant classification. Additional details can be found in publication PMID: 35346344, PMCID: PMC8962531